The following is an entry in ClinVar:

NM_001009944.3(PKD1):c.9083_9084del (p.Glu3028fs)

Gene: PKD1 (polycystin 1, transient receptor potential channel interacting; minus strand). Cytogenetic location: 16p13.3.
Variant type: Microsatellite.
Coding change: c.9083_9084del on transcript NM_001009944.3 (MANE Select); coding-DNA positions 9083 to 9084, 2 bases deleted (AG; older notation c.9083_9084delAG).
Protein change: p.Glu3028fs; shifts the reading frame from glutamic acid 3028.
Molecular consequence: frameshift variant.
Genome position (GRCh38, 1-based): chr16:2,102,498-2,102,499, CT deleted on the plus strand (AG on the coding strand, the reverse complement: PKD1 is on the minus strand); deleting any 2 consecutive bases within chr16:2,102,498-2,102,501 gives the same sequence; the c. name uses the placement nearest the transcript's 3' end. VCF-style (leftmost placement, unchanged base first): chr16-2102497-CCT-C. GRCh37 (hg19) VCF-style: chr16-2152498-CCT-C.
Other names: c.9083_9084delAG (NM_001009944.3); c.9083_9084del, p.Glu3028fs (NM_000296.4); c.9081_9082AG[1], p.Glu3028Glyfs (NM_001009944.2); c.9083_9084del (NM_001009944.2); short protein forms E3028fs.
Identifiers: ClinVar variation 1801161 (VCV001801161.3), dbSNP rs2544733268, ClinGen allele CA2580612697.

ClinVar aggregate classification (germline): Pathogenic. Review status: criteria provided, multiple submitters, no conflicts (2 of 4 stars). 2 submissions from 2 submitters: Pathogenic (2). Last evaluated 2025-05-01.

Conditions:
Polycystic kidney disease, adult type (PKD1). Also called: Polycystic Kidney, Autosomal Dominant; POLYCYSTIC KIDNEY DISEASE, ADULT, TYPE I; Polycystic Kidney Disease 1, Autosomal Dominant; Polycystic kidney disease 1; Polycystic kidney disease 1, severe; POLYCYSTIC KIDNEY DISEASE 1 WITH OR WITHOUT POLYCYSTIC LIVER DISEASE. Identifiers: MedGen C3149841, MONDO:0008263, OMIM 173900.

Submissions (2):

Women's Health and Genetics/Laboratory Corporation of America, LabCorp
Classification: Pathogenic for Polycystic kidney disease, adult type. Last evaluated: 2025-05-01. Review status: criteria provided, single submitter. Criteria: LabCorp Variant Classification Summary - May 2015. Collection method: clinical testing. Allele origin: germline.
Comment: Variant summary: PKD1 c.9083_9084delAG (p.Glu3028GlyfsX40) results in a premature termination codon, predicted to cause a truncation of the encoded protein or absence of the protein due to nonsense mediated decay, which are commonly known mechanisms for disease. The variant was absent in 204588 control chromosomes (gnomAD). c.9083_9084delAG has been observed in at least an individual affected with autosomal dominant polycystic kidney disease 1 (Carrera_2016). ClinVar contains an entry for this variant (Variation ID: 1801161). Based on the evidence outlined above, the variant was classified as pathogenic.

GeneDx
Classification: Pathogenic. Last evaluated: 2024-05-08. Review status: criteria provided, single submitter. Criteria: GeneDx Variant Classification Process June 2021. Collection method: clinical testing. Allele origin: germline.
Comment: Identified in unrelated patients with autosomal dominant polycystic kidney disease in the published literature (PMID: 27499327, 31740684, 30816285); Frameshift variant predicted to result in protein truncation or nonsense mediated decay in a gene for which loss of function is a known mechanism of disease; Not observed at significant frequency in large population cohorts (gnomAD); This variant is associated with the following publications: (PMID: 30816285, 31740684, 27499327)

Literature cited by the submitters: PubMed 27499327 (cited by Women's Health and Genetics/Laboratory Corporation of America, LabCorp).